The following is an entry in ClinVar:

NM_004304.5(ALK):c.2835C>A (p.Asn945Lys)

Gene: ALK (ALK receptor tyrosine kinase; minus strand). Cytogenetic location: 2p23.2.
Variant type: single nucleotide variant.
Coding change: c.2835C>A on transcript NM_004304.5 (MANE Select); coding-DNA position 2835, C replaced by A.
Protein change: p.Asn945Lys; replaces asparagine 945 with lysine.
Molecular consequence: missense variant.
Genome position (GRCh38, 1-based): chr2:29,227,653, G>T on the plus strand (C>A on the coding strand, the complement: ALK is on the minus strand). VCF-style: chr2-29227653-G-T. GRCh37 (hg19) VCF-style: chr2-29450519-G-T.
Other names: short protein forms N945K.
Identifiers: ClinVar variation 4737429 (VCV004737429.1).

ClinVar aggregate classification (germline): Uncertain significance (1 of 4 stars; one submission).

Conditions:
Neuroblastoma, susceptibility to, 3. Also called: ALK-Related Neuroblastic Tumor Susceptibility. Identifiers: Orphanet 635, MedGen C2751681, MONDO:0013083, OMIM 613014.

Submission:

Labcorp Genetics (formerly Invitae), Labcorp
Classification: Uncertain significance for Neuroblastoma, susceptibility to, 3. Last evaluated: 2025-02-19. Review status: criteria provided, single submitter. Criteria: Invitae Variant Classification Sherloc (09022015). Collection method: clinical testing. Allele origin: germline.
Comment: This sequence change replaces asparagine, which is neutral and polar, with lysine, which is basic and polar, at codon 945 of the ALK protein (p.Asn945Lys). This variant is not present in population databases (gnomAD no frequency). This variant has not been reported in the literature in individuals affected with ALK-related conditions. An algorithm developed to predict the effect of missense changes on protein structure and function (PolyPhen-2) suggests that this variant is likely to be tolerated. In summary, the available evidence is currently insufficient to determine the role of this variant in disease. Therefore, it has been classified as a Variant of Uncertain Significance.